The following is an entry in ClinVar:

ClinVar aggregate classification (germline): Uncertain significance (1 of 4 stars; one submission).

Conditions:
WDR45-related disorder. Also called: WDR45-related condition.

gnomAD v4.1: 1 of 1,210,991 alleles (0.000083%); highest among the groups gnomAD compares: Non-Finnish European, 0.00011%; no homozygotes.

Submission:

PreventionGenetics, part of Exact Sciences
Classification: Uncertain significance for WDR45-related condition. Last evaluated: 2023-01-19. Review status: criteria provided, single submitter. Criteria: ACMG Guidelines, 2015. Collection method: clinical testing. Allele origin: germline.
Comment: The WDR45 c.1002C>G variant is predicted to result in the amino acid substitution p.His334Gln. To our knowledge, this variant has not been reported in the literature or in a large population database, indicating this variant is rare. At this time, the clinical significance of this variant is uncertain due to the absence of conclusive functional and genetic evidence.

NM_001029896.2(WDR45):c.999C>G (p.His333Gln)

Gene: WDR45 (WD repeat domain 45; minus strand). Cytogenetic location: Xp11.23.
Variant type: single nucleotide variant.
Coding change: c.999C>G on transcript NM_001029896.2 (MANE Select); coding-DNA position 999, C replaced by G.
Protein change: p.His333Gln; replaces histidine 333 with glutamine.
Molecular consequence: missense variant.
Genome position (GRCh38, 1-based): chrX:49,074,887, G>C on the plus strand (C>G on the coding strand, the complement: WDR45 is on the minus strand). VCF-style: chrX-49074887-G-C. GRCh37 (hg19) VCF-style: chrX-48932546-G-C.
Other names: c.1002C>G, p.His334Gln (NM_007075.4); short protein forms H333Q, H334Q.
Identifiers: ClinVar variation 2629993 (VCV002629993.1), dbSNP rs782784533, ClinGen allele CA412941510.
Genomic context (GRCh38, chrX:49,074,887, plus strand): 5'-GTCAAGGTACACGTCGAAAGCCTCTCTGTTGCAGTTTCCATCAGGAGTGAAGACATATTT[G>C]TGGAAGGTCCCATCTACGCAGATGGCTGGGGGAGGGGGGGTGGTAAAAGGTCAGAGGCTG-3'
Protein context (NP_001025067.1, residues 323-343): VIAICVDGTF[His333Gln]KYVFTPDGNC